The following is an entry in ClinVar:

NM_002224.4(ITPR3):c.4375G>A (p.Val1459Met)

Gene: ITPR3 (inositol 1,4,5-trisphosphate receptor type 3; plus strand). Cytogenetic location: 6p21.31.
Variant type: single nucleotide variant.
Coding change: c.4375G>A on transcript NM_002224.4 (MANE Select); coding-DNA position 4375, G replaced by A.
Protein change: p.Val1459Met; replaces valine 1459 with methionine.
Molecular consequence: missense variant.
Genome position (GRCh38, 1-based): chr6:33,680,579, G>A. VCF-style: chr6-33680579-G-A. GRCh37 (hg19) VCF-style: chr6-33648356-G-A.
Other names: short protein forms V1459M.
Identifiers: ClinVar variation 3530920 (VCV003530920.3).

ClinVar aggregate classification (germline): Uncertain significance. Review status: criteria provided, multiple submitters, no conflicts (2 of 4 stars). 2 submissions from 2 submitters: Uncertain significance (2). Last evaluated 2026-04-01.

gnomAD v4.1: 151 of 1,613,940 alleles (0.0094%); highest among the groups gnomAD compares: Non-Finnish European, 0.012%; no homozygotes.

Submissions (2):

Dasa
Classification: Uncertain significance. Last evaluated: 2026-04-01. Review status: criteria provided, single submitter. Criteria: DASA Assertion Criteria. Collection method: clinical testing. Allele origin: germline.
Comment: NM_002224.4(ITPR3):c.4375G>A (p.Val1459Met) is a missense variant that results in the substitution of valine with methionine. This variant is rare in population databases. Computational prediction algorithms are consistent with a benign effect. The currently available literature and clinical evidence are not sufficient to establish a definitive association between this variant and the reported condition. Therefore, this variant is classified as a variant of uncertain significance.

Ambry Genetics
Classification: Uncertain significance. Last evaluated: 2024-10-30. Review status: criteria provided, single submitter. Criteria: Ambry Variant Classification Scheme 2023. Collection method: clinical testing. Allele origin: germline.